The following is an entry in ClinVar:

ClinVar aggregate classification (germline): Pathogenic/Likely pathogenic/Pathogenic, low penetrance. Review status: criteria provided, multiple submitters, no conflicts (2 of 4 stars). 5 submissions from 5 submitters: Pathogenic (1); Likely pathogenic (1); Pathogenic, low penetrance (1). 2 of the submissions do not count toward it. Last evaluated 2025-03-30.

Conditions:
Inborn genetic diseases. Identifiers: MedGen C0950123, MeSH D030342.
Kuru, susceptibility to. Identifiers: Orphanet 454745, MedGen C1855588, MONDO:0009500, OMIM 245300.
Huntington disease-like 1 (HDL1). Also called: PRION DISEASE, EARLY-ONSET, WITH PROMINENT PSYCHIATRIC FEATURES; HUNTINGTON-LIKE NEURODEGENERATIVE DISORDER 1; HUNTINGTON-LIKE NEURODEGENERATIVE DISORDER, AUTOSOMAL DOMINANT. Identifiers: Orphanet 157941, MedGen C1864112, MONDO:0011299, OMIM 603218.
Spongiform encephalopathy with neuropsychiatric features. Identifiers: MedGen C1847650, MONDO:0011703, OMIM 606688.
Gerstmann-Straussler-Scheinker syndrome (GSD). Also called: Spongiform encephalopathy; Cerebellar ataxia, progressive dementia, and amyloid deposits in the central nervous system; Encephalopathy subacute spongiform Gerstmann-Straussler type; PRION DEMENTIA; GERSTMANN-STRAUSSLER DISEASE; CEREBELLAR ATAXIA, PROGRESSIVE DEMENTIA, AND AMYLOID DEPOSITS IN CNS. Identifiers: Orphanet 356, MedGen C0017495, MONDO:0007656, OMIM 137440.
Fatal familial insomnia (FFI). Also called: Fatal Familial Insomnia (FFI). Identifiers: Orphanet 466, MedGen C0206042, MONDO:0010808, OMIM 600072.
Inherited Creutzfeldt-Jakob disease. Also called: Creutzfeldt-Jakob Disease, Familial; Genetic Creutzfeldt-Jakob Disease (Genetic CJD). Identifiers: Orphanet 204, Orphanet 282166, Orphanet 454700, MedGen C0751254, MONDO:0007403, OMIM 123400.

Allele frequency attached by ClinVar (database versions not stated): TOPMed 0.00002; gnomAD exomes 0.00001; ExAC 0.00002; gnomAD 0.00002.
gnomAD v4.1: 12 of 1,613,712 alleles (0.00074%); highest among the groups gnomAD compares: Non-Finnish European, 0.001%; no homozygotes.

Submissions (5):

Labcorp Genetics (formerly Invitae), Labcorp
Classification: Pathogenic, low penetrance for Huntington disease-like 1. Last evaluated: 2025-03-30. Review status: criteria provided, single submitter. Criteria: Invitae Variant Classification Sherloc (09022015). Collection method: clinical testing. Allele origin: germline.
Comment: This sequence change replaces valine, which is neutral and non-polar, with isoleucine, which is neutral and non-polar, at codon 210 of the PRNP protein (p.Val210Ile). This variant is present in population databases (rs74315407, gnomAD 0.002%). This variant has been reported in many cases of sporadic and familial Creutzfeldt-Jakob disease (CJD) (PMID: 26268049, 26578040, 24583440, 10526198, 7902693). In several cases, this variant has also been identified in unaffected family members, indicating that it is an incompletely penetrant allele (PMID: 26791950, 10526198, 7902693). A large case control study confirmed this finding, and reported that individuals carrying this variant have a life-time risk of developing prion disease of approximately 10% (PMID: 26791950). ClinVar contains an entry for this variant (Variation ID: 13403). Invitae Evidence Modeling of protein sequence and biophysical properties (such as structural, functional, and spatial information, amino acid conservation, physicochemical variation, residue mobility, and thermodynamic stability) indicates that this missense variant is not expected to disrupt PRNP protein function with a negative predictive value of 80%. Experimental studies have shown that this missense change leads to functional and structural changes in the PRNP protein (PMID: 21839748, 21909425, 22947063, 10079068, 14761942). In addition, mice with a chimeric human–mouse PRNP transgene that were inoculated with brain extract from affected individuals carrying this variant developed prion disease (PMID: 11756597). In summary, this variant is reported to cause disease. However, as this variant is associated with a lower penetrance than other pathogenic alleles in the PRNP gene, it has been classified as Pathogenic (low penetrance).

Ambry Genetics
Classification: Pathogenic for Inborn genetic diseases. Last evaluated: 2024-01-29. Review status: criteria provided, single submitter. Criteria: Ambry Variant Classification Scheme 2023. Collection method: clinical testing. Allele origin: germline.
Comment: The c.628G>A (p.V210I) alteration is located in exon 2 (coding exon 1) of the PRNP gene. This alteration results from a G to A substitution at nucleotide position 628, causing the valine (V) at amino acid position 210 to be replaced by an isoleucine (I). Based on data from gnomAD, the A allele has an overall frequency of 0.001% (2/251460) total alleles studied. The highest observed frequency was 0.002% (2/113744) of European (non-Finnish) alleles. This variant was reported in multiple individuals who met clinical criteria for genetic prion disease (Mastrianni, 2001; Renard, 2018; Xiao, 2020), and multiple individuals with features consistent with genetic prion disease (Pocchiari, 1993; Mouillet-Richard, 1999; Furukawa, 1996; Mastrianni, 2001; Tajima, 2014; Conte, 2015; Imbriani, 2016; Xiao, 2020). This variant was also reported in unaffected family members suggesting reduced penetrance (Pocchiari, 1993; Mouillet-Richard, 1999). This amino acid position is well conserved in available vertebrate species. Based on internal structural analysis, p.V210I is moderately destabilizing to the local structure (van der Kamp, 2010; Jodoin, 2007). In multiple assays testing PRNP function, this variant showed functionally abnormal results (Peters, 2016; Jodoin, 2007). Based on the available evidence, this alteration is classified as pathogenic.

Fulgent Genetics
Classification: Likely pathogenic for Inherited Creutzfeldt-Jakob disease; Gerstmann-Straussler-Scheinker syndrome; Kuru, susceptibility to; Fatal familial insomnia; Huntington disease-like 1; Spongiform encephalopathy with neuropsychiatric features. Last evaluated: 2021-10-26. Review status: criteria provided, single submitter. Criteria: ACMG Guidelines, 2015. Collection method: clinical testing. Allele origin: unknown.

OMIM
Classification: Pathogenic for CREUTZFELDT-JAKOB DISEASE. Last evaluated: 1999-10-15. Review status: no assertion criteria provided. Collection method: literature only. Allele origin: germline. Not counted in ClinVar's aggregate classification.

GeneReviews
No classification provided. Condition: Inherited Creutzfeldt-Jakob disease. Review status: no classification provided. Collection method: literature only. Allele origin: germline. Not counted in ClinVar's aggregate classification.
Comment: Associated with genetic Creutzfeldt-Jakob disease phenotype. One of the five most common variants that account for 85% of genetic prion disease.

Literature cited by the submitters: PubMed 26268049 (cited by Labcorp Genetics (formerly Invitae), Labcorp and Ambry Genetics); PubMed 26578040 (cited by Labcorp Genetics (formerly Invitae), Labcorp and Ambry Genetics); PubMed 24583440 (cited by Labcorp Genetics (formerly Invitae), Labcorp and Ambry Genetics); PubMed 10526198 (cited by 3 submitters); PubMed 7902693 (cited by 3 submitters); PubMed 26791950 (cited by Labcorp Genetics (formerly Invitae), Labcorp and OMIM); PubMed 21839748 (cited by Labcorp Genetics (formerly Invitae), Labcorp); PubMed 21909425 (cited by Labcorp Genetics (formerly Invitae), Labcorp); PubMed 22947063 (cited by Labcorp Genetics (formerly Invitae), Labcorp); PubMed 10079068 (cited by Labcorp Genetics (formerly Invitae), Labcorp); PubMed 14761942 (cited by Labcorp Genetics (formerly Invitae), Labcorp); PubMed 11756597 (cited by Labcorp Genetics (formerly Invitae), Labcorp and Ambry Genetics); PubMed 8880705 (cited by Ambry Genetics); PubMed 17494694 (cited by Ambry Genetics); PubMed 20932979 (cited by Ambry Genetics); PubMed 26740554 (cited by Ambry Genetics); PubMed 29704165 (cited by Ambry Genetics); PubMed 32998248 (cited by Ambry Genetics); PubMed 29887139 (cited by GeneReviews); PubMed 20301407 (cited by GeneReviews).

NM_000311.5(PRNP):c.628G>A (p.Val210Ile)

Gene: PRNP (prion protein (Kanno blood group); plus strand). Cytogenetic location: 20p13.
Variant type: single nucleotide variant.
Coding change: c.628G>A on transcript NM_000311.5 (MANE Select); coding-DNA position 628, G replaced by A.
Protein change: p.Val210Ile; replaces valine 210 with isoleucine.
Molecular consequence: missense variant. On other transcripts: 3 prime UTR variant (1).
Genome position (GRCh38, 1-based): chr20:4,699,848, G>A. VCF-style: chr20-4699848-G-A. GRCh37 (hg19) VCF-style: chr20-4680494-G-A.
Other names: PRNP, VAL210ILE (rs74315407); c.628G>A, p.Val210Ile (NM_001080121.3, NM_001080122.3, NM_001080123.3 and 1 more transcripts); c.*317G>A (NM_001271561.3); short protein forms V210I.
Identifiers: ClinVar variation 13403 (VCV000013403.15), dbSNP rs74315407, ClinGen allele CA256781.
Genomic context (GRCh38, chr20:4,699,848, plus strand): 5'-ACCACAACCACCAAGGGGGAGAACTTCACCGAGACCGACGTTAAGATGATGGAGCGCGTG[G>A]TTGAGCAGATGTGTATCACCCAGTACGAGAGGGAATCTCAGGCCTATTACCAGAGAGGAT-3'
Protein context (NP_000302.1, residues 200-220): ETDVKMMERV[Val210Ile]EQMCITQYER